The following is an entry in ClinVar:

NM_213622.4(STAMBP):c.14G>A (p.Gly5Glu)

Genes: STAMBP (STAM binding protein; plus strand), LOC126806253 (CDK7 strongly-dependent group 2 enhancer GRCh37_chr2:74057585-74058784; plus strand). Cytogenetic location: 2p13.1.
Variant type: single nucleotide variant.
Coding change: c.14G>A on transcript NM_213622.4 (MANE Select); coding-DNA position 14, G replaced by A.
Protein change: p.Gly5Glu; replaces glycine 5 with glutamic acid.
Molecular consequence: missense variant. On other transcripts: 5 prime UTR variant (5), non-coding transcript variant (4), intron variant (1).
Genome position (GRCh38, 1-based): chr2:73,830,870, G>A. VCF-style: chr2-73830870-G-A. GRCh37 (hg19) VCF-style: chr2-74057997-G-A.
Other names: c.14G>A, p.Gly5Glu (NM_001353967.2, NM_001353968.2, NM_001353969.2 and 3 more transcripts); c.-540G>A (NM_001353971.2, NM_001353973.2, NM_001353974.2 and 2 more transcripts); c.-203+1874G>A (NM_001353972.2); short protein forms G5E.
Identifiers: ClinVar variation 1367249 (VCV001367249.6), dbSNP rs777038194, ClinGen allele CA1717418.
Genomic context (GRCh38, chr2:73,830,870, plus strand): 5'-AACGGTATTGATGCCATCTGTTTTTTCTGTCTCAGAACTTGGTCCTGATGTCTGACCATG[G>A]AGATGTGAGCCTCCCGCCCGAAGACCGGGTGAGGGCTCTCTCCCAGCTGGGTAGTGCGGT-3'
Protein context (NP_998787.1, residues 1-15): MSDH[Gly5Glu]DVSLPPEDRV

ClinVar aggregate classification (germline): Uncertain significance (1 of 4 stars; one submission).

Allele frequency attached by ClinVar (database versions not stated): gnomAD exomes below 0.00001 and 0.00002; gnomAD 0.00001; TOPMed 0.00001; ExAC 0.00003.
gnomAD v4.1: 7 of 1,612,996 alleles (0.00043%); highest among the groups gnomAD compares: Admixed American, 0.0083%; no homozygotes.

Submission:

Labcorp Genetics (formerly Invitae), Labcorp
Classification: Uncertain significance. Last evaluated: 2021-12-02. Review status: criteria provided, single submitter. Criteria: Invitae Variant Classification Sherloc (09022015). Collection method: clinical testing. Allele origin: germline.
Comment: This variant is present in population databases (rs777038194, gnomAD 0.01%). In summary, the available evidence is currently insufficient to determine the role of this variant in disease. Therefore, it has been classified as a Variant of Uncertain Significance. Algorithms developed to predict the effect of missense changes on protein structure and function (SIFT, PolyPhen-2, Align-GVGD) all suggest that this variant is likely to be tolerated. This variant has not been reported in the literature in individuals affected with STAMBP-related conditions. This sequence change replaces glycine, which is neutral and non-polar, with glutamic acid, which is acidic and polar, at codon 5 of the STAMBP protein (p.Gly5Glu).